The following is an entry in ClinVar:

NM_022455.5(NSD1):c.1127C>T (p.Ala376Val)

Gene: NSD1 (nuclear receptor binding SET domain protein 1; plus strand). Cytogenetic location: 5q35.3.
Variant type: single nucleotide variant.
Coding change: c.1127C>T on transcript NM_022455.5 (MANE Select); coding-DNA position 1127, C replaced by T.
Protein change: p.Ala376Val; replaces alanine 376 with valine.
Molecular consequence: missense variant.
Genome position (GRCh38, 1-based): chr5:177,204,183, C>T. VCF-style: chr5-177204183-C-T. GRCh37 (hg19) VCF-style: chr5-176631184-C-T.
Other names: c.374C>T, p.Ala125Val (NM_001409305.1); c.254C>T, p.Ala85Val (NM_001409306.1, NM_001409307.1, NM_001409308.1 and 3 more transcripts); c.1127C>T, p.Ala376Val (NM_001409301.1, NM_001409302.1, NM_001409303.1); c.707C>T, p.Ala236Val (NM_001409304.1); short protein forms A85V, A125V, A376V, A236V.
Identifiers: ClinVar variation 3701269 (VCV003701269.2).
Genomic context (GRCh38, chr5:177,204,183, plus strand): 5'-CCAACCGGAGGCCCTATCGGCAGTACTACGTGGAGGCTTTTGGAGATCCTTCTGAGAGAG[C>T]CTGGGTGGCTGGAAAAGCAATCGTCATGTTTGAAGGCAGACATCAATTCGAAGAGCTACC-3'
Protein context (NP_071900.2, residues 366-386): VEAFGDPSER[Ala376Val]WVAGKAIVMF

ClinVar aggregate classification (germline): Uncertain significance (1 of 4 stars; one submission).

Submission:

Labcorp Genetics (formerly Invitae), Labcorp
Classification: Uncertain significance. Last evaluated: 2024-10-23. Review status: criteria provided, single submitter. Criteria: Invitae Variant Classification Sherloc (09022015). Collection method: clinical testing. Allele origin: germline.
Comment: This sequence change replaces alanine, which is neutral and non-polar, with valine, which is neutral and non-polar, at codon 376 of the NSD1 protein (p.Ala376Val). This variant is not present in population databases (gnomAD no frequency). This variant has not been reported in the literature in individuals affected with NSD1-related conditions. Invitae Evidence Modeling of protein sequence and biophysical properties (such as structural, functional, and spatial information, amino acid conservation, physicochemical variation, residue mobility, and thermodynamic stability) indicates that this missense variant is expected to disrupt NSD1 protein function with a positive predictive value of 95%. In summary, the available evidence is currently insufficient to determine the role of this variant in disease. Therefore, it has been classified as a Variant of Uncertain Significance.